The following is an entry in ClinVar:

NM_133497.4(KCNV2):c.1139G>A (p.Arg380His)

Gene: KCNV2 (potassium voltage-gated channel modifier subfamily V member 2; plus strand). Cytogenetic location: 9p24.2.
Variant type: single nucleotide variant.
Coding change: c.1139G>A on transcript NM_133497.4 (MANE Select); coding-DNA position 1139, G replaced by A.
Protein change: p.Arg380His; replaces arginine 380 with histidine.
Molecular consequence: missense variant.
Genome position (GRCh38, 1-based): chr9:2,718,878, G>A. VCF-style: chr9-2718878-G-A. GRCh37 (hg19) VCF-style: chr9-2718878-G-A.
Other names: short protein forms R380H.
Identifiers: ClinVar variation 4881474 (VCV004881474.2).

ClinVar aggregate classification (germline): Uncertain significance (1 of 4 stars; one submission).

gnomAD v4.1: 2 of 1,608,858 alleles (0.00012%); highest among the groups gnomAD compares: Middle Eastern, 0.016%; no homozygotes.

Submission:

Dasa
Classification: Uncertain significance. Last evaluated: 2025-10-10. Review status: criteria provided, single submitter. Criteria: DASA Assertion Criteria. Collection method: clinical testing. Allele origin: germline.
Comment: NM_133497.4(KCNV2):c.1139G>A (p.Arg380His) is a missense variant that results in the substitution of arginine with histidine. This variant is rare in population databases. Computational prediction algorithms are consistent with a deleterious effect. The currently available literature and clinical evidence are not sufficient to establish a definitive association between this variant and the reported condition. Therefore, this variant is classified as a variant of uncertain significance.